The following is an entry in ClinVar:

NM_005477.3(HCN4):c.2368T>C (p.Ser790Pro)

Gene: HCN4 (hyperpolarization activated cyclic nucleotide gated potassium channel 4; minus strand). Cytogenetic location: 15q24.1.
Variant type: single nucleotide variant.
Coding change: c.2368T>C on transcript NM_005477.3 (MANE Select); coding-DNA position 2368, T replaced by C.
Protein change: p.Ser790Pro; replaces serine 790 with proline.
Molecular consequence: missense variant.
Genome position (GRCh38, 1-based): chr15:73,323,725, A>G on the plus strand (T>C on the coding strand, the complement: HCN4 is on the minus strand). VCF-style: chr15-73323725-A-G. GRCh37 (hg19) VCF-style: chr15-73616066-A-G.
Other names: short protein forms S790P.
Identifiers: ClinVar variation 4614267 (VCV004614267.2).
Genomic context (GRCh38, chr15:73,323,725, plus strand): 5'-GGGGAGGGCGGAAGATGGCAGCAGGCAGGCGAGGGTGGTGGGTGAGGGCTATGGCCACAG[A>G]AGTGGTGGCAGCGGCAGCCTGCAGTGGTGCCTGGATCAGCGGGGTCCAGATGACGGGCGT-3'
Protein context (NP_005468.1, residues 780-800): APLQAAAATT[Ser790Pro]VAIALTHHPR

ClinVar aggregate classification (germline): Uncertain significance. Review status: criteria provided, multiple submitters, no conflicts (2 of 4 stars). 2 submissions from 2 submitters: Uncertain significance (2). Last evaluated 2025-10-28.

Conditions:
Brugada syndrome 8 (BRGDA8). Identifiers: Orphanet 130, MedGen C2751083, MONDO:0013148, OMIM 613123.
Cardiovascular phenotype. Identifiers: MedGen CN230736.

gnomAD v4.1: 2 of 1,602,714 alleles (0.00012%); highest among the groups gnomAD compares: African/African-American, 0.0027%; no homozygotes.

Submissions (2):

Ambry Genetics
Classification: Uncertain significance for Cardiovascular phenotype. Last evaluated: 2025-10-28. Review status: criteria provided, single submitter. Criteria: Ambry Variant Classification Scheme 2023. Collection method: clinical testing. Allele origin: germline.

Labcorp Genetics (formerly Invitae), Labcorp
Classification: Uncertain significance for Brugada syndrome 8. Last evaluated: 2025-08-21. Review status: criteria provided, single submitter. Criteria: Invitae Variant Classification Sherloc (09022015). Collection method: clinical testing. Allele origin: germline.
Comment: This sequence change replaces serine, which is neutral and polar, with proline, which is neutral and non-polar, at codon 790 of the HCN4 protein (p.Ser790Pro). This variant is not present in population databases (gnomAD no frequency). This variant has not been reported in the literature in individuals affected with HCN4-related conditions. Invitae Evidence Modeling of protein sequence and biophysical properties (such as structural, functional, and spatial information, amino acid conservation, physicochemical variation, residue mobility, and thermodynamic stability) indicates that this missense variant is not expected to disrupt HCN4 protein function with a negative predictive value of 95%. In summary, the available evidence is currently insufficient to determine the role of this variant in disease. Therefore, it has been classified as a Variant of Uncertain Significance.